The following is an entry in ClinVar:

ClinVar aggregate classification (germline): Benign/Likely benign. Review status: criteria provided, multiple submitters, no conflicts (2 of 4 stars). 8 submissions from 8 submitters: Benign (4); Likely benign (2). 2 of the submissions do not count toward it. Last evaluated 2026-02-04.

Conditions:
Complement component 6 deficiency (C6D). Also called: C6 DEFICIENCY. Identifiers: MedGen C2676232, MONDO:0012908, OMIM 612446.

Allele frequency attached by ClinVar (database versions not stated): 1000 Genomes Project 30x 0.99813; 1000 Genomes Project 0.99820; ExAC 0.99955; gnomAD exomes 0.99957 and 0.99991; gnomAD 0.99979 and 0.99985; TOPMed 0.99987.
gnomAD v4.1: 1,598,021 of 1,598,182 alleles (100%); highest among the groups gnomAD compares: Middle Eastern, 100%; 798,931 homozygotes.

Submissions (8):

Labcorp Genetics (formerly Invitae), Labcorp
Classification: Benign. Last evaluated: 2026-02-04. Review status: criteria provided, single submitter. Criteria: Invitae Variant Classification Sherloc (09022015). Collection method: clinical testing. Allele origin: germline.

Women's Health and Genetics/Laboratory Corporation of America, LabCorp
Classification: Benign. Last evaluated: 2026-01-21. Review status: criteria provided, single submitter. Criteria: LabCorp Variant Classification Summary - May 2015. Collection method: clinical testing. Allele origin: germline.

Mayo Clinic Laboratories, Mayo Clinic
Classification: Likely benign. Last evaluated: 2025-10-08. Review status: criteria provided, single submitter. Criteria: ACMG Guidelines, 2015. Collection method: clinical testing. Allele origin: germline. Observed: 9 variant alleles.
Comment: BP4, BP7

Blueprint Genetics
Classification: Likely benign. Last evaluated: 2024-11-26. Review status: criteria provided, single submitter. Criteria: ACMG Guidelines, 2015. Collection method: clinical testing. Allele origin: germline.

Fulgent Genetics
Classification: Benign for Complement component 6 deficiency. Last evaluated: 2021-08-31. Review status: criteria provided, single submitter. Criteria: ACMG Guidelines, 2015. Collection method: clinical testing. Allele origin: unknown.

Breakthrough Genomics
Classification: Benign. Review status: criteria provided, single submitter. Criteria: ACMG Guidelines, 2015. Collection method: not provided. Allele origin: germline. Inheritance: Autosomal recessive inheritance. Affected: yes.

Diagnostic Laboratory, Department of Genetics, University Medical Center Groningen
Classification: Benign. Review status: no assertion criteria provided. Collection method: clinical testing. Allele origin: germline. Affected: yes. Study: VKGL Data-share Consensus. Not counted in ClinVar's aggregate classification.

Joint Genome Diagnostic Labs from Nijmegen and Maastricht, Radboudumc and MUMC+
Classification: Benign. Review status: no assertion criteria provided. Collection method: clinical testing. Allele origin: germline. Affected: yes. Study: VKGL Data-share Consensus. Not counted in ClinVar's aggregate classification.

NM_000065.5(C6):c.1881C>T (p.Asp627=)

Gene: C6 (complement C6; minus strand). Cytogenetic location: 5p13.1.
Variant type: single nucleotide variant.
Coding change: c.1881C>T on transcript NM_000065.5 (MANE Select); coding-DNA position 1881, C replaced by T.
Protein change: p.Asp627=; no amino-acid change (aspartic acid 627 retained).
Molecular consequence: synonymous variant.
Genome position (GRCh38, 1-based): chr5:41,158,761, G>A on the plus strand (C>T on the coding strand, the complement: C6 is on the minus strand). VCF-style: chr5-41158761-G-A. GRCh37 (hg19) VCF-style: chr5-41158863-G-A.
Other names: p.Asp627=; c.1881C>T, p.Asp627= (NM_001115131.4); c.1881C>T (NM_000065.4).
Identifiers: ClinVar variation 1170114 (VCV001170114.19), dbSNP rs6866352, ClinGen allele CA3252286.